The following is an entry in ClinVar:

NM_005101.4(ISG15):c.199C>T (p.Pro67Ser)

Gene: ISG15 (ISG15 ubiquitin like modifier; plus strand). Cytogenetic location: 1p36.33.
Variant type: single nucleotide variant.
Coding change: c.199C>T on transcript NM_005101.4 (MANE Select); coding-DNA position 199, C replaced by T.
Protein change: p.Pro67Ser; replaces proline 67 with serine.
Molecular consequence: missense variant.
Genome position (GRCh38, 1-based): chr1:1,014,179, C>T. VCF-style: chr1-1014179-C-T. GRCh37 (hg19) VCF-style: chr1-949559-C-T.
Other names: c.199C>T, p.Pro67Ser (LRG_1231t1); short protein forms P67S.
Identifiers: ClinVar variation 542075 (VCV000542075.8), dbSNP rs1553169766, ClinGen allele CA337804300.

ClinVar aggregate classification (germline): Uncertain significance (1 of 4 stars; one submission).

Conditions:
Mendelian susceptibility to mycobacterial diseases due to complete ISG15 deficiency. Also called: IMMUNODEFICIENCY 38, MYCOBACTERIOSIS, AUTOSOMAL RECESSIVE; ISG15 DEFICIENCY, AUTOSOMAL RECESSIVE; Immunodeficiency 38 with basal ganglia calcification; Immunodeficiency 38. Identifiers: Orphanet 319563, MedGen C4015293, MONDO:0014502, OMIM 616126.

Submission:

Labcorp Genetics (formerly Invitae), Labcorp
Classification: Uncertain significance for Mendelian susceptibility to mycobacterial diseases due to complete ISG15 deficiency. Last evaluated: 2022-02-04. Review status: criteria provided, single submitter. Criteria: Invitae Variant Classification Sherloc (09022015). Collection method: clinical testing. Allele origin: germline.
Comment: In summary, the available evidence is currently insufficient to determine the role of this variant in disease. Therefore, it has been classified as a Variant of Uncertain Significance. Algorithms developed to predict the effect of missense changes on protein structure and function output the following: SIFT: "Tolerated"; PolyPhen-2: "Benign"; Align-GVGD: "Class C0". The serine amino acid residue is found in multiple mammalian species, which suggests that this missense change does not adversely affect protein function. ClinVar contains an entry for this variant (Variation ID: 542075). This variant has not been reported in the literature in individuals affected with ISG15-related conditions. This variant is not present in population databases (gnomAD no frequency). This sequence change replaces proline, which is neutral and non-polar, with serine, which is neutral and polar, at codon 67 of the ISG15 protein (p.Pro67Ser).